The following is an entry in ClinVar:

ClinVar aggregate classification (germline): Uncertain significance. Review status: criteria provided, multiple submitters, no conflicts (2 of 4 stars). 2 submissions from 2 submitters: Uncertain significance (2). Last evaluated 2025-03-16.

Conditions:
Inborn genetic diseases. Identifiers: MedGen C0950123, MeSH D030342.

Allele frequency attached by ClinVar (database versions not stated): gnomAD exomes 0.00001; TOPMed below 0.00001.

Submissions (2):

Ambry Genetics
Classification: Uncertain significance for Inborn genetic diseases. Last evaluated: 2025-03-16. Review status: criteria provided, single submitter. Criteria: Ambry Variant Classification Scheme 2023. Collection method: clinical testing. Allele origin: germline.

Labcorp Genetics (formerly Invitae), Labcorp
Classification: Uncertain significance. Last evaluated: 2022-08-09. Review status: criteria provided, single submitter. Criteria: Invitae Variant Classification Sherloc (09022015). Collection method: clinical testing. Allele origin: germline.
Comment: This sequence change replaces methionine, which is neutral and non-polar, with threonine, which is neutral and polar, at codon 1020 of the RTTN protein (p.Met1020Thr). This variant is not present in population databases (gnomAD no frequency). This variant has not been reported in the literature in individuals affected with RTTN-related conditions. ClinVar contains an entry for this variant (Variation ID: 1462758). Algorithms developed to predict the effect of missense changes on protein structure and function are either unavailable or do not agree on the potential impact of this missense change (SIFT: "Deleterious"; PolyPhen-2: "Probably Damaging"; Align-GVGD: "Class C0"). In summary, the available evidence is currently insufficient to determine the role of this variant in disease. Therefore, it has been classified as a Variant of Uncertain Significance.

NM_173630.4(RTTN):c.3059T>C (p.Met1020Thr)

Gene: RTTN (rotatin; minus strand). Cytogenetic location: 18q22.2.
Variant type: single nucleotide variant.
Coding change: c.3059T>C on transcript NM_173630.4 (MANE Select); coding-DNA position 3059, T replaced by C.
Protein change: p.Met1020Thr; replaces methionine 1020 with threonine.
Molecular consequence: missense variant.
Genome position (GRCh38, 1-based): chr18:70,128,442, A>G on the plus strand (T>C on the coding strand, the complement: RTTN is on the minus strand). VCF-style: chr18-70128442-A-G. GRCh37 (hg19) VCF-style: chr18-67795678-A-G.
Other names: c.323T>C, p.Met108Thr (NM_001318520.2); c.3059T>C (NM_173630.3); short protein forms M1020T, M108T.
Identifiers: ClinVar variation 1462758 (VCV001462758.6), dbSNP rs2059920096, ClinGen allele CA402694664.
Genomic context (GRCh38, chr18:70,128,442, plus strand): 5'-ATTTGCTTCAACAGATTATCACTCCCATGATACCATGACAGGTTCCAAGCTATTCTCAGC[A>G]TATCTGACACCGGCTTCAAGGCCAAACAATCAGCAGATAAGGGCAAAACTATGGAGTAAG-3'
Protein context (NP_775901.3, residues 1010-1030): DCLALKPVSD[Met1020Thr]LRIAWNLSWY